The following is an entry in ClinVar:

ClinVar aggregate classification (germline): Uncertain significance. Review status: criteria provided, multiple submitters, no conflicts (2 of 4 stars). 2 submissions from 2 submitters: Uncertain significance (2). Last evaluated 2025-09-10.

Conditions:
Moyamoya disease 2 (MYMY2). Also called: MOYAMOYA DISEASE 2, SUSCEPTIBILITY TO. Identifiers: Orphanet 2573, MedGen C1846689, MONDO:0011784, OMIM 607151.

gnomAD v4.1: 17 of 1,613,870 alleles (0.0011%); highest among the groups gnomAD compares: Admixed American, 0.012%; no homozygotes.

Submissions (2):

Genomic Medicine Center of Excellence, King Faisal Specialist Hospital and Research Centre
Classification: Uncertain significance for Moyamoya disease 2. Last evaluated: 2025-09-10. Review status: criteria provided, single submitter. Criteria: ACMG Guidelines, 2015. Collection method: clinical testing. Allele origin: germline.

CeGaT Center for Human Genetics Tuebingen
Classification: Uncertain significance. Last evaluated: 2024-11-01. Review status: criteria provided, single submitter. Criteria: CeGaT Center For Human Genetics Tuebingen Variant Classification Criteria Version 2. Collection method: clinical testing. Allele origin: germline. Affected: yes. Observed: 1 variant allele.
Comment: RNF213: PM2

NM_001256071.3(RNF213):c.12826C>T (p.Arg4276Trp)

Genes: RNF213 (ring finger protein 213; plus strand), RNF213-AS1 (RNF213 antisense RNA 1; minus strand). Cytogenetic location: 17q25.3.
Variant type: single nucleotide variant.
Coding change: c.12826C>T on transcript NM_001256071.3 (MANE Select); coding-DNA position 12826, C replaced by T.
Protein change: p.Arg4276Trp; replaces arginine 4276 with tryptophan.
Molecular consequence: missense variant.
Genome position (GRCh38, 1-based): chr17:80,373,049, C>T. VCF-style: chr17-80373049-C-T. GRCh37 (hg19) VCF-style: chr17-78346849-C-T.
Other names: c.12973C>T, p.Arg4325Trp (NM_001410195.1, NM_020914.5); short protein forms R4276W, R4325W.
Identifiers: ClinVar variation 3389502 (VCV003389502.15).